The following is an entry in ClinVar:

ClinVar aggregate classification (germline): Uncertain significance (1 of 4 stars; one submission).

Conditions:
Autosomal dominant nonsyndromic hearing loss 65. Also called: Deafness, autosomal dominant 65; TBC1D24-Related Autosomal Dominant Nonsyndromic Hearing Loss (DFNA). Identifiers: Orphanet 90635, MedGen C3892048, MONDO:0014470, OMIM 616044.
Developmental and epileptic encephalopathy, 1 (DEE1). Also called: INFANTILE SPASM SYNDROME, X-LINKED 1; X-linked infantile spasms; West's syndrome; Tonic spasms with clustering, arrest of psychomotor development and hypsarrhythmia on EEG; X-Linked Infantile Spasm Syndrome; OHTAHARA SYNDROME, X-LINKED. Identifiers: MedGen C3463992, MONDO:0010632, OMIM 308350. Disease mechanism: loss of function.

Allele frequency attached by ClinVar (database versions not stated): TOPMed 0.00001; gnomAD 0.00002.
gnomAD v4.1: 69 of 1,613,768 alleles (0.0043%); highest among the groups gnomAD compares: Non-Finnish European, 0.0058%; no homozygotes.

Submission:

Labcorp Genetics (formerly Invitae), Labcorp
Classification: Uncertain significance for Developmental and epileptic encephalopathy, 1; Autosomal dominant nonsyndromic hearing loss 65. Last evaluated: 2023-06-03. Review status: criteria provided, single submitter. Criteria: Invitae Variant Classification Sherloc (09022015). Collection method: clinical testing. Allele origin: germline.
Comment: In summary, the available evidence is currently insufficient to determine the role of this variant in disease. Therefore, it has been classified as a Variant of Uncertain Significance. Advanced modeling of protein sequence and biophysical properties (such as structural, functional, and spatial information, amino acid conservation, physicochemical variation, residue mobility, and thermodynamic stability) performed at Invitae indicates that this missense variant is expected to disrupt TBC1D24 protein function. This variant has not been reported in the literature in individuals affected with TBC1D24-related conditions. This variant is present in population databases (no rsID available, gnomAD 0.007%). This sequence change replaces phenylalanine, which is neutral and non-polar, with leucine, which is neutral and non-polar, at codon 433 of the TBC1D24 protein (p.Phe433Leu).

NM_001199107.2(TBC1D24):c.1299T>A (p.Phe433Leu)

Gene: TBC1D24 (TBC1 domain family member 24; plus strand). Cytogenetic location: 16p13.3.
Variant type: single nucleotide variant.
Coding change: c.1299T>A on transcript NM_001199107.2 (MANE Select); coding-DNA position 1299, T replaced by A.
Protein change: p.Phe433Leu; replaces phenylalanine 433 with leucine.
Molecular consequence: missense variant.
Genome position (GRCh38, 1-based): chr16:2,499,927, T>A. VCF-style: chr16-2499927-T-A. GRCh37 (hg19) VCF-style: chr16-2549928-T-A.
Other names: c.1281T>A, p.Phe427Leu (NM_020705.3); short protein forms F433L, F427L.
Identifiers: ClinVar variation 2934166 (VCV002934166.3), dbSNP rs1481341870, ClinGen allele CA394380298.
Genomic context (GRCh38, chr16:2,499,927, plus strand): 5'-TGAGAGAAATAAGTTTGGAGGCAAACTGGGCTTCTTTGGGACCGGAGAATGCTTTGTGTT[T>A]AGGGTGAGTGGGGCCAAGTGTCCCCAAACCCCCACGCAGACCCTGTAGCTGCATCCCTCC-3'
Protein context (NP_001186036.1, residues 423-443): GFFGTGECFV[Phe433Leu]RLQPEVQRYE